The following is an entry in ClinVar:

NM_000535.7(PMS2):c.1931A>G (p.Asn644Ser)

Gene: PMS2 (PMS1 homolog 2, mismatch repair system component; minus strand). Cytogenetic location: 7p22.1.
Variant type: single nucleotide variant.
Coding change: c.1931A>G on transcript NM_000535.7 (MANE Select); coding-DNA position 1931, A replaced by G.
Protein change: p.Asn644Ser; replaces asparagine 644 with serine.
Molecular consequence: missense variant. On other transcripts: non-coding transcript variant (1).
Genome position (GRCh38, 1-based): chr7:5,986,834, T>C on the plus strand (A>G on the coding strand, the complement: PMS2 is on the minus strand). VCF-style: chr7-5986834-T-C. GRCh37 (hg19) VCF-style: chr7-6026465-T-C.
Other names: c.1526A>G, p.Asn509Ser (NM_001322003.2, NM_001322004.2, NM_001322005.2 and 1 more transcripts); c.1775A>G, p.Asn592Ser (NM_001322006.2); c.1613A>G, p.Asn538Ser (NM_001322007.2, NM_001322008.2); c.1370A>G, p.Asn457Ser (NM_001322010.2); c.998A>G, p.Asn333Ser (NM_001322011.2, NM_001322012.2); c.1358A>G, p.Asn453Ser (NM_001322013.2); c.1931A>G, p.Asn644Ser (NM_001322014.2); c.1622A>G, p.Asn541Ser (NM_001322015.2); short protein forms N457S, N509S, N644S, N453S, N541S, N592S, N333S, N538S.
Identifiers: ClinVar variation 820312 (VCV000820312.15), dbSNP rs267608166, ClinGen allele CA366739193.

ClinVar aggregate classification (germline): Conflicting classifications of pathogenicity. Review status: criteria provided, conflicting classifications (1 of 4 stars). 3 submissions from 3 submitters: Uncertain significance (2); Likely benign (1). Last evaluated 2026-08-14.

Conditions:
Hereditary nonpolyposis colorectal neoplasms. Identifiers: MedGen C0009405, MeSH D003123.
Hereditary cancer-predisposing syndrome. Also called: Tumor predisposition; Hereditary Cancer Syndrome; Neoplastic Syndromes, Hereditary; Hereditary neoplastic syndrome. Identifiers: Orphanet 140162, MedGen C0027672, MeSH D009386, MONDO:0015356.
Lynch syndrome. Identifiers: Orphanet 144, MedGen C4552100, MONDO:0005835. Disease mechanism: loss of function.

Allele frequency attached by ClinVar (database versions not stated): gnomAD exomes below 0.00001; TOPMed below 0.00001; gnomAD 0.00001.

Submissions (3):

Ambry Genetics
Classification: Likely benign for Hereditary cancer-predisposing syndrome. Last evaluated: 2026-08-14. Review status: criteria provided, single submitter. Criteria: Ambry Variant Classification Scheme 2023. Collection method: clinical testing. Allele origin: germline.

Labcorp Genetics (formerly Invitae), Labcorp
Classification: Uncertain significance for Hereditary nonpolyposis colorectal neoplasms. Last evaluated: 2023-11-03. Review status: criteria provided, single submitter. Criteria: Invitae Variant Classification Sherloc (09022015). Collection method: clinical testing. Allele origin: germline.
Comment: This sequence change replaces asparagine, which is neutral and polar, with serine, which is neutral and polar, at codon 644 of the PMS2 protein (p.Asn644Ser). This variant is present in population databases (no rsID available, gnomAD 0.007%). This variant has not been reported in the literature in individuals affected with PMS2-related conditions. ClinVar contains an entry for this variant (Variation ID: 820312). Advanced modeling of protein sequence and biophysical properties (such as structural, functional, and spatial information, amino acid conservation, physicochemical variation, residue mobility, and thermodynamic stability) performed at Invitae indicates that this missense variant is not expected to disrupt PMS2 protein function with a negative predictive value of 80%. In summary, the available evidence is currently insufficient to determine the role of this variant in disease. Therefore, it has been classified as a Variant of Uncertain Significance.

Department of Pathology and Laboratory Medicine, Sinai Health System
Classification: Uncertain significance for Lynch syndrome. Last evaluated: 2021-09-27. Review status: criteria provided, single submitter. Criteria: ACMG Guidelines, 2015. Collection method: clinical testing. Allele origin: germline. Affected: yes.